The following is an entry in ClinVar:

NM_181523.3(PIK3R1):c.658A>T (p.Ile220Phe)

Gene: PIK3R1 (phosphoinositide-3-kinase regulatory subunit 1; plus strand). Cytogenetic location: 5q13.1.
Variant type: single nucleotide variant.
Coding change: c.658A>T on transcript NM_181523.3 (MANE Select); coding-DNA position 658, A replaced by T.
Protein change: p.Ile220Phe; replaces isoleucine 220 with phenylalanine.
Molecular consequence: missense variant.
Genome position (GRCh38, 1-based): chr5:68,280,551, A>T. VCF-style: chr5-68280551-A-T. GRCh37 (hg19) VCF-style: chr5-67576379-A-T.
Other names: short protein forms I220F.
Identifiers: ClinVar variation 2950902 (VCV002950902.3), dbSNP rs756172158, ClinGen allele CA3290121.

ClinVar aggregate classification (germline): Uncertain significance (1 of 4 stars; one submission).

Conditions:
SHORT syndrome. Also called: LIPODYSTROPHY, PARTIAL, WITH RIEGER ANOMALY AND SHORT STATURE; PIK3R1-Related SHORT Syndrome; SHORT STATURE, HYPEREXTENSIBILITY, HERNIA, OCULAR DEPRESSION, RIEGER ANOMALY, AND TEETHING DELAY. Identifiers: Orphanet 3163, MedGen C0878684, MONDO:0010026, OMIM 269880.
Agammaglobulinemia 7, autosomal recessive (AGM7). Also called: AGAMMAGLOBULINEMIA, AUTOSOMAL RECESSIVE, DUE TO PIK3R1 DEFECT. Identifiers: MedGen C3554689, MONDO:0014083, OMIM 615214.
Immunodeficiency 36 with lymphoproliferation. Also called: Immunodeficiency 36; ACTIVATED PI3K-DELTA SYNDROME 2; Activated PI3K Delta Syndrome Type 2 (APDS2). Identifiers: Orphanet 397596, Orphanet 693681, MedGen C4014934, MONDO:0014453, OMIM 616005.

Allele frequency attached by ClinVar (database versions not stated): ExAC 0.00001.
gnomAD v4.1: 1 of 1,609,316 alleles (0.000062%); highest among the groups gnomAD compares: South Asian, 0.0011%; no homozygotes.

Submission:

Labcorp Genetics (formerly Invitae), Labcorp
Classification: Uncertain significance for SHORT syndrome; Immunodeficiency 36 with lymphoproliferation; Agammaglobulinemia 7, autosomal recessive. Last evaluated: 2023-08-11. Review status: criteria provided, single submitter. Criteria: Invitae Variant Classification Sherloc (09022015). Collection method: clinical testing. Allele origin: germline.
Comment: In summary, the available evidence is currently insufficient to determine the role of this variant in disease. Therefore, it has been classified as a Variant of Uncertain Significance. This sequence change replaces isoleucine, which is neutral and non-polar, with phenylalanine, which is neutral and non-polar, at codon 220 of the PIK3R1 protein (p.Ile220Phe). This variant is present in population databases (rs756172158, gnomAD 0.003%). This variant has not been reported in the literature in individuals affected with PIK3R1-related conditions. An algorithm developed to predict the effect of missense changes on protein structure and function (PolyPhen-2) suggests that this variant is likely to be tolerated.